The following is an entry in ClinVar:

ClinVar aggregate classification (germline): Likely benign (0 of 4 stars; one submission).

Conditions:
Polycystic kidney disease. Also called: Polycystic kidney dysplasia; Kidney, Polycystic. Identifiers: MedGen C0022680, MeSH D007690, MONDO:0020642, HP:0000113.

Allele frequency attached by ClinVar (database versions not stated): TOPMed 0.00001; gnomAD 0.00002; gnomAD exomes 0.00002.
gnomAD v4.1: 4 of 193,214 alleles (0.0021%); highest among the groups gnomAD compares: Non-Finnish European, 0.0037%; no homozygotes.

Submission:

Department of Pathology and Laboratory Medicine, Sinai Health System
Classification: Likely benign for Polycystic Kidney disease. Review status: no assertion criteria provided. Collection method: clinical testing. Allele origin: unknown. Affected: yes. Study: The Canadian Open Genetics Repository (COGR).
Comment: The PKD1 c.-207A>G variant was not identified in the literature nor was it identified in the dbSNP, ClinVar, LOVD 3.0, ADPKD Mutation Database, or PKD1-LOVD databases. The variant was not identified in the following control databases: the Exome Aggregation Consortium (August 8th 2016) or the Genome Aggregation Database (Feb 27, 2017). There are multiple variants reported in the ADPKD Mutation Database located in 5â€šÃ„Ã´UTR (including PKD1 c.-108C>T), which are classified as likely neutral variants by Athena Diagnostics. The variant occurs outside of the splicing consensus sequence and in silico or computational prediction software programs (SpliceSiteFinder, MaxEntScan, NNSPLICE, GeneSplicer) do not predict a difference in splicing. In summary, based on the above information, the clinical significance of this variant cannot be determined with certainty at this time although we would lean towards a more benign role for this variant. This variant is classified as likely benign.

NM_001009944.3(PKD1):c.-207A>G

Genes: PKD1 (polycystin 1, transient receptor potential channel interacting; minus strand), LOC130058212 (ATAC-STARR-seq lymphoblastoid silent region 7025; plus strand). Cytogenetic location: 16p13.3.
Variant type: single nucleotide variant.
Coding change: c.-207A>G on transcript NM_001009944.3 (MANE Select); 207 bases upstream of the start codon, A replaced by G.
Molecular consequence: 5 prime UTR variant.
Genome position (GRCh38, 1-based): chr16:2,135,896, T>C on the plus strand (A>G on the coding strand, the complement: PKD1 is on the minus strand). VCF-style: chr16-2135896-T-C. GRCh37 (hg19) VCF-style: chr16-2185897-T-C.
Other names: c.-207A>G (NM_000296.4).
Identifiers: ClinVar variation 997237 (VCV000997237.1), dbSNP rs1380968772, ClinGen allele CA718975207.